The following is an entry in ClinVar:

ClinVar aggregate classification (germline): Uncertain significance (1 of 4 stars; one submission).

Allele frequency attached by ClinVar (database versions not stated): gnomAD 0.00001.
gnomAD v4.1: 1 of 1,599,874 alleles (0.000063%); highest among the groups gnomAD compares: African/African-American, 0.0013%; no homozygotes.

Submission:

GeneDx
Classification: Uncertain significance. Last evaluated: 2020-02-18. Review status: criteria provided, single submitter. Criteria: GeneDx Variant Classification Process June 2021. Collection method: clinical testing. Allele origin: germline. Affected: yes.
Comment: Not observed in large population cohorts (Lek et al., 2016); In silico analysis supports that this missense variant does not alter protein structure/function; Has not been previously published as pathogenic or benign to our knowledge; Occurs in the triple helical domain at the Y position in the canonical Gly-X-Y repeat; although this variant may have an effect on normal protein folding and function, missense substitution at the Y position is not a common mechanism of disease (Stenson et al., 2014)

NM_000090.4(COL3A1):c.635C>T (p.Ser212Leu)

Gene: COL3A1 (collagen type III alpha 1 chain; plus strand). Cytogenetic location: 2q32.2.
Variant type: single nucleotide variant.
Coding change: c.635C>T on transcript NM_000090.4 (MANE Select); coding-DNA position 635, C replaced by T.
Protein change: p.Ser212Leu; replaces serine 212 with leucine.
Molecular consequence: missense variant.
Genome position (GRCh38, 1-based): chr2:188,988,642, C>T. VCF-style: chr2-188988642-C-T. GRCh37 (hg19) VCF-style: chr2-189853368-C-T.
Other names: short protein forms S212L.
Identifiers: ClinVar variation 1203022 (VCV001203022.3), dbSNP rs1191990780, ClinGen allele CA349848414.